The following is an entry in ClinVar:

ClinVar aggregate classification (germline): Pathogenic (1 of 4 stars; one submission).

Conditions:
Familial dysautonomia. Also called: FD; HSAN III. Identifiers: Orphanet 1764, MedGen C0013364, MONDO:0009131, OMIM 223900. Disease mechanism: loss of function.

Submission:

Women's Health and Genetics/Laboratory Corporation of America, LabCorp
Classification: Pathogenic for Familial dysautonomia. Last evaluated: 2024-09-10. Review status: criteria provided, single submitter. Criteria: LabCorp Variant Classification Summary - May 2015. Collection method: clinical testing. Allele origin: germline.
Comment: Variant summary: ELP1 c.89_90delAG (p.Gln30ArgfsX24) results in a premature termination codon, predicted to cause a truncation of the encoded protein or absence of the protein due to nonsense mediated decay, which are commonly known mechanisms for disease. The variant was absent in 1614160 control chromosomes. To our knowledge, no occurrence of c.89_90delAG in individuals affected with Familial Dysautonomia and no experimental evidence demonstrating its impact on protein function have been reported. No submitters have cited clinical-significance assessments for this variant to ClinVar. Based on the evidence outlined above, the variant was classified as pathogenic.

NM_003640.5(ELP1):c.89_90del (p.Gln30fs)

Gene: ELP1 (elongator acetyltransferase complex subunit 1; minus strand). Cytogenetic location: 9q31.3.
Variant type: Deletion.
Coding change: c.89_90del on transcript NM_003640.5 (MANE Select); coding-DNA positions 89 to 90, 2 bases deleted (AG; older notation c.89_90delAG).
Protein change: p.Gln30fs; shifts the reading frame from glutamine 30.
Molecular consequence: frameshift variant. On other transcripts: 5 prime UTR variant (1), splice acceptor variant (1).
Genome position (GRCh38, 1-based): chr9:108,931,057-108,931,058, CT deleted on the plus strand (AG on the coding strand, the reverse complement: ELP1 is on the minus strand). VCF-style (leftmost placement, unchanged base first): chr9-108931056-CCT-C. GRCh37 (hg19) VCF-style: chr9-111693336-CCT-C.
Other names: c.-771_-770del (NM_001330749.2); c.-252-2_-252-1del (NM_001318360.2); c.89_90delAG (NM_003640.5); short protein forms Q30fs.
Identifiers: ClinVar variation 3374958 (VCV003374958.1).